The following is an entry in ClinVar:

NM_014271.4(IL1RAPL1):c.779-8C>T

Gene: IL1RAPL1 (interleukin 1 receptor accessory protein like 1; plus strand). Cytogenetic location: Xp21.2.
Variant type: single nucleotide variant.
Coding change: c.779-8C>T on transcript NM_014271.4 (MANE Select); 8 bases into the intron before coding-DNA position 779, C replaced by T.
Molecular consequence: intron variant.
Genome position (GRCh38, 1-based): chrX:29,917,456, C>T. VCF-style: chrX-29917456-C-T. GRCh37 (hg19) VCF-style: chrX-29935573-C-T.
Identifiers: ClinVar variation 4872013 (VCV004872013.2).
Genomic context (GRCh38, chrX:29,917,456, plus strand): 5'-TGTCAGTTTGCCTAAAATAAGTGTGAACAAATAGTTTTATAACACTTTTCCATCACTTCT[C>T]TCTGCAGGTGACTCTGCTAATCTAACCTGCAGAGCTTTCTTTGGGTACAGCGGAGATGTC-3'

ClinVar aggregate classification (germline): Likely benign (1 of 4 stars; one submission).

gnomAD v4.1: 2 of 1,208,249 alleles (0.00017%); highest among the groups gnomAD compares: Non-Finnish European, 0.00022%; no homozygotes.

Submission:

CeGaT Center for Human Genetics Tuebingen
Classification: Likely benign. Last evaluated: 2026-04-01. Review status: criteria provided, single submitter. Criteria: CeGaT Center For Human Genetics Tuebingen Variant Classification Criteria Version 2. Collection method: clinical testing. Allele origin: germline. Affected: yes. Observed: 1 variant allele.
Comment: IL1RAPL1: BP4